The following is an entry in ClinVar:

ClinVar aggregate classification (germline): Uncertain significance (1 of 4 stars; one submission).

Conditions:
Crigler-Najjar syndrome type 1. Also called: HYPERBILIRUBINEMIA, CRIGLER-NAJJAR TYPE I. Identifiers: Orphanet 79234, MedGen C0010324, MONDO:0021020, OMIM 218800.

Allele frequency attached by ClinVar (database versions not stated): gnomAD exomes below 0.00001.
gnomAD v4.1: 1 of 1,614,196 alleles (0.000062%); highest among the groups gnomAD compares: Non-Finnish European, 0.000085%; no homozygotes.

Submission:

Neuberg Centre For Genomic Medicine, NCGM
Classification: Uncertain significance for Crigler-Najjar syndrome type 1. Review status: criteria provided, single submitter. Criteria: ACMG Guidelines, 2015. Collection method: clinical testing. Allele origin: germline. Inheritance: Autosomal recessive inheritance. Affected: yes.
Comment: The missense c.92T>G p.Leu31Arg variant in UGT1A1 gene has been previously reported in an homozygous individual affected with UGT1A1- related disorders Yildiz et al., 2013. The p.Leu31Arg variant is absent not in any individuals in gnomAD Exomes and 1000 Genomes. This variant has not been reported to the ClinVar database. The amino acid change p.Leu31Arg in UGT1A1 is predicted as conserved by GERP++ and PhyloP across 100 vertebrates. The amino acid Leu at position 31 is changed to a Arg changing protein sequence and it might alter its composition and physico-chemical properties. For these reasons, this variant has been classified as a Variant of Uncertain Significance VUS.

NM_000463.3(UGT1A1):c.92T>G (p.Leu31Arg)

Genes: UGT1A5 (UDP glucuronosyltransferase family 1 member A5; plus strand), UGT1A6 (UDP glucuronosyltransferase family 1 member A6; plus strand), UGT1A4 (UDP glucuronosyltransferase family 1 member A4; plus strand), UGT1A (UDP glucuronosyltransferase family 1 member A complex locus; plus strand), UGT1A10 (UDP glucuronosyltransferase family 1 member A10; plus strand) and 5 more. Cytogenetic location: 2q37.1.
Variant type: single nucleotide variant.
Coding change: c.92T>G on transcript NM_000463.3 (MANE Select); coding-DNA position 92, T replaced by G.
Protein change: p.Leu31Arg; replaces leucine 31 with arginine.
Molecular consequence: missense variant. On other transcripts: intron variant (9).
Genome position (GRCh38, 1-based): chr2:233,760,379, T>G. VCF-style: chr2-233760379-T-G. GRCh37 (hg19) VCF-style: chr2-234669025-T-G.
Other names: c.856-6655T>G (NM_019076.5, NM_019075.4, NM_021027.3 and 1 more transcripts); c.61-6655T>G (NM_205862.3); c.862-6655T>G (NM_001072.4); c.868-6655T>G (NM_019078.2, NM_007120.3, NM_019093.4); short protein forms L31R.
Identifiers: ClinVar variation 3235021 (VCV003235021.1), dbSNP rs2472933388, ClinGen allele CA351065551.